The following is an entry in ClinVar:

ClinVar aggregate classification (germline): Conflicting classifications of pathogenicity. Review status: criteria provided, conflicting classifications (1 of 4 stars). 10 submissions from 10 submitters: Uncertain significance (9); Likely benign (1). Last evaluated 2025-09-23.

Conditions:
Familial adenomatous polyposis 2. Also called: FAP type 2; Adenomas, multiple colorectal; MUTYH Polyposis; MYH-associated polyposis; MUTYH-associated polyposis; MUTYH-related attenuated familial adenomatous polyposis. Identifiers: Orphanet 220460, Orphanet 247798, MedGen C3272841, MONDO:0012041, OMIM 608456.
Gastric cancer. Also called: Stomach cancer; Malignant tumor of stomach. Identifiers: MedGen C0024623, MeSH D013274, MONDO:0001056, OMIM 613659, HP:0012126.
Hereditary cancer-predisposing syndrome. Also called: Tumor predisposition; Neoplastic Syndromes, Hereditary; Hereditary Cancer Syndrome; Hereditary neoplastic syndrome. Identifiers: Orphanet 140162, MedGen C0027672, MeSH D009386, MONDO:0015356.

Allele frequency attached by ClinVar (database versions not stated): gnomAD exomes 0.00001 and 0.00002; ExAC 0.00002; TOPMed 0.00002; gnomAD 0.00003.
gnomAD v4.1: 9 of 1,614,038 alleles (0.00056%); highest among the groups gnomAD compares: African/African-American, 0.008%; no homozygotes.

Submissions (10):

Labcorp Genetics (formerly Invitae), Labcorp
Classification: Uncertain significance for Familial adenomatous polyposis 2. Last evaluated: 2025-09-23. Review status: criteria provided, single submitter. Criteria: Invitae Variant Classification Sherloc (09022015). Collection method: clinical testing. Allele origin: germline.
Comment: This sequence change replaces asparagine, which is neutral and polar, with serine, which is neutral and polar, at codon 147 of the MUTYH protein (p.Asn147Ser). This variant is present in population databases (rs771641237, gnomAD 0.01%). This missense change has been observed in individual(s) with breast cancer (PMID: 35534704). ClinVar contains an entry for this variant (Variation ID: 186207). An algorithm developed to predict the effect of missense changes on protein structure and function outputs the following: PolyPhen-2: "Benign". The serine amino acid residue is found in multiple mammalian species, which suggests that this missense change does not adversely affect protein function. In summary, the available evidence is currently insufficient to determine the role of this variant in disease. Therefore, it has been classified as a Variant of Uncertain Significance.

Ambry Genetics
Classification: Likely benign for Hereditary cancer-predisposing syndrome. Last evaluated: 2025-04-18. Review status: criteria provided, single submitter. Criteria: Ambry Variant Classification Scheme 2023. Collection method: clinical testing. Allele origin: germline.

All of Us Research Program, National Institutes of Health
Classification: Uncertain significance for Familial adenomatous polyposis 2. Last evaluated: 2024-08-13. Review status: criteria provided, single submitter. Criteria: ACMG Guidelines, 2015. Collection method: clinical testing. Allele origin: germline. Inheritance: Autosomal recessive inheritance. Observed: 3 variant alleles, 3 heterozygotes.
Comment: This missense variant replaces asparagine with serine at codon 147 of the MUTYH protein. Computational prediction suggests that this variant may not impact protein structure and function (internally defined REVEL score threshold <= 0.5, PMID: 27666373). To our knowledge, functional studies have not been reported for this variant. This variant has not been reported in individuals affected with hereditary cancer in the literature. This variant has been identified in 4/251476 chromosomes in the general population by the Genome Aggregation Database (gnomAD). The available evidence is insufficient to determine the role of this variant in disease conclusively. Therefore, this variant is classified as a Variant of Uncertain Significance.

This study involves interpretation of variants in research participants for the purpose of population health screening. Participant phenotype was not available at the time of variant classification. Additional details can be found in publication PMID: 35346344, PMCID: PMC8962531

Fulgent Genetics
Classification: Uncertain significance for Familial adenomatous polyposis 2; Gastric cancer. Last evaluated: 2024-06-04. Review status: criteria provided, single submitter. Criteria: ACMG Guidelines, 2015. Collection method: clinical testing. Allele origin: germline.

Baylor Genetics
Classification: Uncertain significance for Familial adenomatous polyposis 2. Last evaluated: 2024-01-04. Review status: criteria provided, single submitter. Criteria: ACMG Guidelines, 2015. Collection method: clinical testing. Allele origin: unknown.

Revvity Omics, Revvity
Classification: Uncertain significance for Familial adenomatous polyposis 2. Last evaluated: 2023-09-27. Review status: criteria provided, single submitter. Criteria: ACMG Guidelines, 2015. Collection method: clinical testing. Allele origin: germline.

Women's Health and Genetics/Laboratory Corporation of America, LabCorp
Classification: Uncertain significance. Last evaluated: 2023-05-18. Review status: criteria provided, single submitter. Criteria: LabCorp Variant Classification Summary - May 2015. Collection method: clinical testing. Allele origin: germline.
Comment: Variant summary: MUTYH c.440A>G (p.Asn147Ser) results in a conservative amino acid change located in the HhH-GPD domain (IPR003265) of the encoded protein sequence. Four of five in-silico tools predict a benign effect of the variant on protein function. The variant allele was found at a frequency of 1.6e-05 in 251476 control chromosomes (gnomAD). The available data on variant occurrences in the general population are insufficient to allow any conclusion about variant significance. To our knowledge, no occurrence of c.440A>G in individuals affected with MUTYH-Associated Polyposis and no experimental evidence demonstrating its impact on protein function have been reported. The following publication have been ascertained in the context of this evaluation (PMID: 26689913). Six ClinVar submitters (evaluation after 2014) cite this variant as uncertain significance. Based on the evidence outlined above, the variant was classified as uncertain significance.

GeneDx
Classification: Uncertain significance. Last evaluated: 2022-07-26. Review status: criteria provided, single submitter. Criteria: GeneDx Variant Classification Process June 2021. Collection method: clinical testing. Allele origin: germline. Affected: yes.
Comment: In silico analysis supports that this missense variant does not alter protein structure/function; Has not been previously published as pathogenic or benign to our knowledge

Color Diagnostics, LLC DBA Color Health
Classification: Uncertain significance for Hereditary cancer-predisposing syndrome. Last evaluated: 2021-10-04. Review status: criteria provided, single submitter. Criteria: ACMG Guidelines, 2015. Collection method: clinical testing. Allele origin: germline.
Comment: This missense variant replaces asparagine with serine at codon 147 of the MUTYH protein. Computational prediction suggests that this variant may not impact protein structure and function (internally defined REVEL score threshold <= 0.5, PMID: 27666373). To our knowledge, functional studies have not been reported for this variant. This variant has not been reported in individuals affected with hereditary cancer in the literature. This variant has been identified in 4/251476 chromosomes in the general population by the Genome Aggregation Database (gnomAD). The available evidence is insufficient to determine the role of this variant in disease conclusively. Therefore, this variant is classified as a Variant of Uncertain Significance.

Quest Diagnostics Nichols Institute San Juan Capistrano
Classification: Uncertain significance. Last evaluated: 2019-05-15. Review status: criteria provided, single submitter. Criteria: Quest Diagnostics criteria. Collection method: clinical testing. Allele origin: germline.

Literature cited by the submitters: PubMed 35534704 (cited by Labcorp Genetics (formerly Invitae), Labcorp); PubMed 26689913 (cited by Women's Health and Genetics/Laboratory Corporation of America, LabCorp).

NM_001048174.2(MUTYH):c.356A>G (p.Asn119Ser)

Gene: MUTYH (mutY DNA glycosylase; minus strand). Cytogenetic location: 1p34.1.
Variant type: single nucleotide variant.
Coding change: c.356A>G on transcript NM_001048174.2 (MANE Select); coding-DNA position 356, A replaced by G.
Protein change: p.Asn119Ser; replaces asparagine 119 with serine.
Molecular consequence: missense variant. On other transcripts: non-coding transcript variant (1), intron variant (2).
Genome position (GRCh38, 1-based): chr1:45,333,119, T>C on the plus strand (A>G on the coding strand, the complement: MUTYH is on the minus strand). VCF-style: chr1-45333119-T-C. GRCh37 (hg19) VCF-style: chr1-45798791-T-C.
Other names: c.356A>G, p.Asn119Ser (NM_001048171.2, NM_001048173.2, NM_001293195.2); c.359A>G, p.Asn120Ser (NM_001048172.2); c.440A>G, p.Asn147Ser (NM_001128425.2); c.401A>G, p.Asn134Ser (NM_001293190.2); c.389A>G, p.Asn130Ser (NM_001293191.2); c.80A>G, p.Asn27Ser (NM_001293192.2, NM_001293196.2); c.431A>G, p.Asn144Ser (NM_012222.3); c.34-160A>G (NM_001350651.2, NM_001350650.2); short protein forms N147S, N119S, N134S, N130S, N144S, N120S, N27S.
Identifiers: ClinVar variation 186207 (VCV000186207.32), dbSNP rs771641237, ClinGen allele CA013572.
Genomic context (GRCh38, chr1:45,333,119, plus strand): 5'-TCTGACCCATGACCCTTCCCTTCCTCCCCTGGAGTCACCTGCATCCATCCGGTATAGTAG[T>C]TGATCACAGTGGCAACCTGGGTCTGCTGCAGCATGACCTCTGAGACCCACACTGGGGGAA-3'
Protein context (NP_001041639.1, residues 109-129): LQQTQVATVI[Asn119Ser]YYTGWMQKWP